The following is an entry in ClinVar:

NM_019055.6(ROBO4):c.604G>A (p.Glu202Lys)

Gene: ROBO4 (roundabout guidance receptor 4; minus strand). Cytogenetic location: 11q24.2.
Variant type: single nucleotide variant.
Coding change: c.604G>A on transcript NM_019055.6 (MANE Select); coding-DNA position 604, G replaced by A.
Protein change: p.Glu202Lys; replaces glutamic acid 202 with lysine.
Molecular consequence: missense variant.
Genome position (GRCh38, 1-based): chr11:124,896,273, C>T on the plus strand (G>A on the coding strand, the complement: ROBO4 is on the minus strand). VCF-style: chr11-124896273-C-T. GRCh37 (hg19) VCF-style: chr11-124766169-C-T.
Other names: c.169G>A, p.Glu57Lys (NM_001301088.2); short protein forms E202K, E57K.
Identifiers: ClinVar variation 3350062 (VCV003350062.2).
Genomic context (GRCh38, chr11:124,896,273, plus strand): 5'-GGGCTGCGCGGCTCTCCCTATGTCCTGCGCTGTTGGTGGCCACACACATGTAGGTCCCTT[C>T]GTCACTCTTCTCTGCTCTTGCCATCAGCAGGGACCCCCCGGACACCTGTCAGGGCCAGGT-3'
Protein context (NP_061928.4, residues 192-212): LLMARAEKSD[Glu202Lys]GTYMCVATNS

ClinVar aggregate classification (germline): Uncertain significance. Review status: criteria provided, single submitter (1 of 4 stars). 2 submissions from 2 submitters: Uncertain significance (1). 1 of the submissions does not count toward it. Last evaluated 2025-05-17.

Conditions:
ROBO4-related disorder. Also called: ROBO4-related condition.

Submissions (2):

Ambry Genetics
Classification: Uncertain significance. Last evaluated: 2025-05-17. Review status: criteria provided, single submitter. Criteria: Ambry Variant Classification Scheme 2023. Collection method: clinical testing. Allele origin: germline.

PreventionGenetics, part of Exact Sciences
Classification: Uncertain significance for ROBO4-related condition. Last evaluated: 2024-04-04. Review status: no assertion criteria provided. Collection method: clinical testing. Allele origin: germline. Not counted in ClinVar's aggregate classification.
Comment: The ROBO4 c.604G>A variant is predicted to result in the amino acid substitution p.Glu202Lys. To our knowledge, this variant has not been reported in the literature. This variant is reported in 0.042% of alleles in individuals of South Asian descent in gnomAD. At this time, the clinical significance of this variant is uncertain due to the absence of conclusive functional and genetic evidence.